The following is an entry in ClinVar:

ClinVar aggregate classification (germline): Likely benign. Review status: criteria provided, single submitter (1 of 4 stars). 2 submissions from 2 submitters: Likely benign (1). 1 of the submissions does not count toward it. Last evaluated 2023-05-22.

Conditions:
RNF216-related disorder. Also called: RNF216-related condition.

Allele frequency attached by ClinVar (database versions not stated): gnomAD 0.00014 and 0.00015; ESP Exome Variant Server 0.00023.
gnomAD v4.1: 40 of 1,613,912 alleles (0.0025%); highest among the groups gnomAD compares: African/African-American, 0.048%; no homozygotes.

Submissions (2):

Labcorp Genetics (formerly Invitae), Labcorp
Classification: Likely benign. Last evaluated: 2023-05-22. Review status: criteria provided, single submitter. Criteria: Invitae Variant Classification Sherloc (09022015). Collection method: clinical testing. Allele origin: germline.

PreventionGenetics, part of Exact Sciences
Classification: Likely benign for RNF216-related condition. Last evaluated: 2021-12-01. Review status: no assertion criteria provided. Collection method: clinical testing. Allele origin: germline. Not counted in ClinVar's aggregate classification.
Comment: This variant is classified as likely benign based on ACMG/AMP sequence variant interpretation guidelines (Richards et al. 2015 PMID: 25741868, with internal and published modifications).

NM_207111.4(RNF216):c.1263C>A (p.Thr421=)

Gene: RNF216 (ring finger protein 216; minus strand). Cytogenetic location: 7p22.1.
Variant type: single nucleotide variant.
Coding change: c.1263C>A on transcript NM_207111.4 (MANE Select); coding-DNA position 1263, C replaced by A.
Protein change: p.Thr421=; no amino-acid change (threonine 421 retained).
Molecular consequence: synonymous variant.
Genome position (GRCh38, 1-based): chr7:5,729,558, G>T on the plus strand (C>A on the coding strand, the complement: RNF216 is on the minus strand). VCF-style: chr7-5729558-G-T. GRCh37 (hg19) VCF-style: chr7-5769189-G-T.
Other names: c.1092C>A, p.Thr364= (NM_001377156.1, NM_207116.3); c.1263C>A (NM_207111.3).
Identifiers: ClinVar variation 1107900 (VCV001107900.9), dbSNP rs142641769, ClinGen allele CA4148260.